The following is an entry in ClinVar:

ClinVar aggregate classification (germline): Uncertain significance (1 of 4 stars; one submission).

Submission:

Labcorp Genetics (formerly Invitae), Labcorp
Classification: Uncertain significance. Last evaluated: 2024-09-01. Review status: criteria provided, single submitter. Criteria: Invitae Variant Classification Sherloc (09022015). Collection method: clinical testing. Allele origin: germline.
Comment: This sequence change replaces arginine, which is basic and polar, with proline, which is neutral and non-polar, at codon 206 of the DEAF1 protein (p.Arg206Pro). This variant is not present in population databases (gnomAD no frequency). This variant has not been reported in the literature in individuals affected with DEAF1-related conditions. Invitae Evidence Modeling of protein sequence and biophysical properties (such as structural, functional, and spatial information, amino acid conservation, physicochemical variation, residue mobility, and thermodynamic stability) indicates that this missense variant is expected to disrupt DEAF1 protein function with a positive predictive value of 95%. In summary, the available evidence is currently insufficient to determine the role of this variant in disease. Therefore, it has been classified as a Variant of Uncertain Significance.

NM_021008.4(DEAF1):c.617G>C (p.Arg206Pro)

Gene: DEAF1 (DEAF1 transcription factor; minus strand). Cytogenetic location: 11p15.5.
Variant type: single nucleotide variant.
Coding change: c.617G>C on transcript NM_021008.4 (MANE Select); coding-DNA position 617, G replaced by C.
Protein change: p.Arg206Pro; replaces arginine 206 with proline.
Molecular consequence: missense variant. On other transcripts: 5 prime UTR variant (1).
Genome position (GRCh38, 1-based): chr11:687,958, C>G on the plus strand (G>C on the coding strand, the complement: DEAF1 is on the minus strand). VCF-style: chr11-687958-C-G. GRCh37 (hg19) VCF-style: chr11-687958-C-G.
Other names: c.617G>C, p.Arg206Pro (NM_001293634.2); c.-110G>C (NM_001367390.1); short protein forms R206P.
Identifiers: ClinVar variation 3664151 (VCV003664151.2).